The following is an entry in ClinVar:

NM_016239.4(MYO15A):c.112A>C (p.Met38Leu)

Gene: MYO15A (myosin XVA; plus strand). Cytogenetic location: 17p11.2.
Variant type: single nucleotide variant.
Coding change: c.112A>C on transcript NM_016239.4 (MANE Select); coding-DNA position 112, A replaced by C.
Protein change: p.Met38Leu; replaces methionine 38 with leucine.
Molecular consequence: missense variant.
Genome position (GRCh38, 1-based): chr17:18,118,912, A>C. VCF-style: chr17-18118912-A-C. GRCh37 (hg19) VCF-style: chr17-18022226-A-C.
Other names: short protein forms M38L.
Identifiers: ClinVar variation 1398612 (VCV001398612.7), dbSNP rs1359300875, ClinGen allele CA398589435.
Genomic context (GRCh38, chr17:18,118,912, plus strand): 5'-AAGAAGGCACCGGAGCCGGAGAAGCCCAAACGGAGCCTGAAGGGGACGTCGCGGCTGTTC[A>C]TGGGCTTCCGCGACCGTACACCCAAGATCTCCAAGAAGGGCCAGTTCCGCAGCGCCTCGG-3'
Protein context (NP_057323.3, residues 28-48): RSLKGTSRLF[Met38Leu]GFRDRTPKIS

ClinVar aggregate classification (germline): Uncertain significance (1 of 4 stars; one submission).

gnomAD v4.1: 2 of 1,613,876 alleles (0.00012%); highest among the groups gnomAD compares: Admixed American, 0.0033%; no homozygotes.

Submission:

Labcorp Genetics (formerly Invitae), Labcorp
Classification: Uncertain significance. Last evaluated: 2024-02-24. Review status: criteria provided, single submitter. Criteria: Invitae Variant Classification Sherloc (09022015). Collection method: clinical testing. Allele origin: germline.
Comment: This sequence change replaces methionine, which is neutral and non-polar, with leucine, which is neutral and non-polar, at codon 38 of the MYO15A protein (p.Met38Leu). This variant is present in population databases (no rsID available, gnomAD 0.003%). This variant has not been reported in the literature in individuals affected with MYO15A-related conditions. ClinVar contains an entry for this variant (Variation ID: 1398612). Advanced modeling of protein sequence and biophysical properties (such as structural, functional, and spatial information, amino acid conservation, physicochemical variation, residue mobility, and thermodynamic stability) performed at Invitae indicates that this missense variant is not expected to disrupt MYO15A protein function with a negative predictive value of 95%. In summary, the available evidence is currently insufficient to determine the role of this variant in disease. Therefore, it has been classified as a Variant of Uncertain Significance.